The following is an entry in ClinVar:

ClinVar aggregate classification (germline): Likely benign. Review status: criteria provided, multiple submitters, no conflicts (2 of 4 stars). 3 submissions from 3 submitters: Likely benign (3). Last evaluated 2025-06-20.

Conditions:
Hereditary cancer-predisposing syndrome. Also called: Hereditary neoplastic syndrome; Hereditary Cancer Syndrome; Neoplastic Syndromes, Hereditary; Tumor predisposition. Identifiers: Orphanet 140162, MedGen C0027672, MeSH D009386, MONDO:0015356.

Allele frequency attached by ClinVar (database versions not stated): gnomAD exomes below 0.00001 and 0.00001; ExAC 0.00001.

Submissions (3):

Labcorp Genetics (formerly Invitae), Labcorp
Classification: Likely benign. Last evaluated: 2025-06-20. Review status: criteria provided, single submitter. Criteria: Invitae Variant Classification Sherloc (09022015). Collection method: clinical testing. Allele origin: germline.

Ambry Genetics
Classification: Likely benign for Hereditary cancer-predisposing syndrome. Last evaluated: 2021-02-18. Review status: criteria provided, single submitter. Criteria: Ambry Variant Classification Scheme 2023. Collection method: clinical testing. Allele origin: germline.

GeneDx
Classification: Likely benign. Last evaluated: 2017-08-25. Review status: criteria provided, single submitter. Criteria: GeneDx Variant Classification (06012015). Collection method: clinical testing. Allele origin: germline. Affected: yes.
Comment: This variant is considered likely benign or benign based on one or more of the following criteria: it is a conservative change, it occurs at a poorly conserved position in the protein, it is predicted to be benign by multiple in silico algorithms, and/or has population frequency not consistent with disease.

NM_006231.4(POLE):c.6339C>T (p.Ser2113=)

Gene: POLE (DNA polymerase epsilon, catalytic subunit; minus strand). Cytogenetic location: 12q24.33.
Variant type: single nucleotide variant.
Coding change: c.6339C>T on transcript NM_006231.4 (MANE Select); coding-DNA position 6339, C replaced by T.
Protein change: p.Ser2113=; no amino-acid change (serine 2113 retained).
Molecular consequence: synonymous variant.
Genome position (GRCh38, 1-based): chr12:132,626,309, G>A on the plus strand (C>T on the coding strand, the complement: POLE is on the minus strand). VCF-style: chr12-132626309-G-A. GRCh37 (hg19) VCF-style: chr12-133202895-G-A.
Identifiers: ClinVar variation 511616 (VCV000511616.14), dbSNP rs781680187, ClinGen allele CA6892194.